The following is an entry in ClinVar:

ClinVar aggregate classification (germline): Uncertain significance (1 of 4 stars; one submission).

gnomAD v4.1: 1 of 1,604,366 alleles (0.000062%); highest among the groups gnomAD compares: Non-Finnish European, 0.000085%; no homozygotes.

Submission:

GeneDx
Classification: Uncertain significance. Last evaluated: 2019-12-04. Review status: criteria provided, single submitter. Criteria: GeneDx Variant Classification Process June 2021. Collection method: clinical testing. Allele origin: germline. Affected: yes.
Comment: Not observed in large population cohorts (Lek et al., 2016); In silico analysis, which includes splice predictors and evolutionary conservation, supports that this variant does not alter protein structure/function; Has not been previously published as pathogenic or benign to our knowledge

NM_014946.4(SPAST):c.1688-10T>C

Gene: SPAST (spastin; plus strand). Cytogenetic location: 2p22.3.
Variant type: single nucleotide variant.
Coding change: c.1688-10T>C on transcript NM_014946.4 (MANE Select); 10 bases into the intron before coding-DNA position 1688, T replaced by C.
Molecular consequence: intron variant.
Genome position (GRCh38, 1-based): chr2:32,147,208, T>C. VCF-style: chr2-32147208-T-C. GRCh37 (hg19) VCF-style: chr2-32372277-T-C.
Other names: c.1592-10T>C (NM_199436.2); c.1521-10T>C (NM_001377959.1); c.1685-10T>C (NM_001363823.2); c.1589-10T>C (NM_001363875.2).
Identifiers: ClinVar variation 1310735 (VCV001310735.2), dbSNP rs2148762754, ClinGen allele CA2573051939.